The following is an entry in ClinVar:

NM_004517.4(ILK):c.950G>A (p.Arg317Gln)

Genes: TAF10 (TATA-box binding protein associated factor 10; minus strand), ILK (integrin linked kinase; plus strand). Cytogenetic location: 11p15.4.
Variant type: single nucleotide variant.
Coding change: c.950G>A on transcript NM_004517.4 (MANE Select); coding-DNA position 950, G replaced by A.
Protein change: p.Arg317Gln; replaces arginine 317 with glutamine.
Molecular consequence: missense variant. On other transcripts: 3 prime UTR variant (1).
Genome position (GRCh38, 1-based): chr11:6,609,817, G>A. VCF-style: chr11-6609817-G-A. GRCh37 (hg19) VCF-style: chr11-6631048-G-A.
Other names: c.950G>A, p.Arg317Gln (NM_001014794.3, NM_001014795.3); c.767G>A, p.Arg256Gln (NM_001278441.2); c.548G>A, p.Arg183Gln (NM_001278442.2); c.*1105C>T (NM_006284.4); short protein forms R256Q, R317Q, R183Q.
Identifiers: ClinVar variation 4749233 (VCV004749233.1).

ClinVar aggregate classification (germline): Uncertain significance (1 of 4 stars; one submission).

Conditions:
Primary familial hypertrophic cardiomyopathy (HCM). Identifiers: Orphanet 99739, MedGen C0949658, MeSH D024741, MONDO:0024573. Inheritance: Various modes of inheritance.

gnomAD v4.1: 5 of 1,614,026 alleles (0.00031%); highest among the groups gnomAD compares: African/African-American, 0.0013%; no homozygotes.

Submission:

Labcorp Genetics (formerly Invitae), Labcorp
Classification: Uncertain significance for Primary familial hypertrophic cardiomyopathy. Last evaluated: 2025-08-25. Review status: criteria provided, single submitter. Criteria: Invitae Variant Classification Sherloc (09022015). Collection method: clinical testing. Allele origin: germline.
Comment: This sequence change replaces arginine, which is basic and polar, with glutamine, which is neutral and polar, at codon 317 of the ILK protein (p.Arg317Gln). This variant is present in population databases (rs770233845, gnomAD 0.01%). This variant has not been reported in the literature in individuals affected with ILK-related conditions. An algorithm developed to predict the effect of missense changes on protein structure and function (PolyPhen-2) suggests that this variant is likely to be disruptive. Experimental studies are conflicting or provide insufficient evidence to determine the effect of this variant on ILK function (PMID: 31748531). In summary, the available evidence is currently insufficient to determine the role of this variant in disease. Therefore, it has been classified as a Variant of Uncertain Significance.

Literature cited by the submitters: PubMed 31748531.